The following is an entry in ClinVar:

NM_003031.4(SIAH1):c.329C>T (p.Pro110Leu)

Genes: LONP2 (lon peptidase 2, peroxisomal; plus strand), SIAH1 (siah E3 ubiquitin protein ligase 1; minus strand). Cytogenetic location: 16q12.1.
Variant type: single nucleotide variant.
Coding change: c.329C>T on transcript NM_003031.4 (MANE Select); coding-DNA position 329, C replaced by T.
Protein change: p.Pro110Leu; replaces proline 110 with leucine.
Molecular consequence: missense variant. On other transcripts: 3 prime UTR variant (1).
Genome position (GRCh38, 1-based): chr16:48,362,100, G>A on the plus strand (C>T on the coding strand, the complement: SIAH1 is on the minus strand). VCF-style: chr16-48362100-G-A. GRCh37 (hg19) VCF-style: chr16-48396011-G-A.
Other names: c.422C>T, p.Pro141Leu (NM_001006610.2); c.*504G>A (NM_001348078.2); short protein forms P110L, P141L.
Identifiers: ClinVar variation 3353888 (VCV003353888.2).

ClinVar aggregate classification (germline): Uncertain significance. Review status: criteria provided, single submitter (1 of 4 stars). 2 submissions from 2 submitters: Uncertain significance (1). 1 of the submissions does not count toward it. Last evaluated 2023-06-08.

Conditions:
SIAH1-related condition.

Submissions (2):

GeneDx
Classification: Uncertain significance. Last evaluated: 2023-06-08. Review status: criteria provided, single submitter. Criteria: GeneDx Variant Classification Process June 2021. Collection method: clinical testing. Allele origin: germline. Affected: yes.
Comment: Not observed at significant frequency in large population cohorts (gnomAD); In silico analysis supports that this missense variant has a deleterious effect on protein structure/function; Has not been previously published as pathogenic or benign to our knowledge

PreventionGenetics, part of Exact Sciences
Classification: Uncertain significance for SIAH1-related condition. Last evaluated: 2024-05-21. Review status: no assertion criteria provided. Collection method: clinical testing. Allele origin: germline. Not counted in ClinVar's aggregate classification.
Comment: The SIAH1 c.422C>T variant is predicted to result in the amino acid substitution p.Pro141Leu. To our knowledge, this variant has not been reported in the literature or in a large population database, indicating this variant is rare. At this time, the clinical significance of this variant is uncertain due to the absence of conclusive functional and genetic evidence.